The following is an entry in ClinVar:

NM_194248.3(OTOF):c.100G>A (p.Val34Ile)

Gene: OTOF (otoferlin; minus strand). Cytogenetic location: 2p23.3.
Variant type: single nucleotide variant.
Coding change: c.100G>A on transcript NM_194248.3 (MANE Select); coding-DNA position 100, G replaced by A.
Protein change: p.Val34Ile; replaces valine 34 with isoleucine.
Molecular consequence: missense variant.
Genome position (GRCh38, 1-based): chr2:26,537,754, C>T on the plus strand (G>A on the coding strand, the complement: OTOF is on the minus strand). VCF-style: chr2-26537754-C-T. GRCh37 (hg19) VCF-style: chr2-26760622-C-T.
Other names: c.100G>A, p.Val34Ile (NM_001287489.2); short protein forms V34I.
Identifiers: ClinVar variation 48162 (VCV000048162.5), dbSNP rs397517933, ClinGen allele CA142728.
Genomic context (GRCh38, chr2:26,537,754, plus strand): 5'-GGGGGAGTCTTGGGCCTCCTACCTCATCAAAGTCAGCCACATCCTCACAGTTCTCCAGGA[C>T]CCGAGAGTAGAAGGATTGCCCTGTGGGGAAAGAGGAAATAAATTCTAGGGTCAGAGCTGT-3'
Protein context (NP_919224.1, residues 24-44): TFRGQSFYSR[Val34Ile]LENCEDVADF

ClinVar aggregate classification (germline): Likely benign (1 of 4 stars; one submission).

Allele frequency attached by ClinVar (database versions not stated): TOPMed below 0.00001; gnomAD 0.00003.

Submission:

Laboratory for Molecular Medicine, Mass General Brigham Personalized Medicine
Classification: Likely benign. Last evaluated: 2011-12-12. Review status: criteria provided, single submitter. Criteria: LMM Criteria. Collection method: clinical testing. Allele origin: germline. Observed: 1 variant allele.
Comment: Val34Ile in exon 2 of OTOF: This variant is not expected to have clinical signif icance due to a lack of conservation across species, including mammals. Of note, elephant has an isoleucine at this position despite high nearby amino acid cons ervation. In addition, biochemical properties do not suggest a high likelihood o f impact to the protein.